The following is an entry in ClinVar:

NM_017866.6(TMEM70):c.215C>T (p.Pro72Leu)

Gene: TMEM70 (transmembrane protein 70; plus strand). Cytogenetic location: 8q21.11.
Variant type: single nucleotide variant.
Coding change: c.215C>T on transcript NM_017866.6 (MANE Select); coding-DNA position 215, C replaced by T.
Protein change: p.Pro72Leu; replaces proline 72 with leucine.
Molecular consequence: missense variant. On other transcripts: non-coding transcript variant (1).
Genome position (GRCh38, 1-based): chr8:73,978,760, C>T. VCF-style: chr8-73978760-C-T. GRCh37 (hg19) VCF-style: chr8-74890995-C-T.
Other names: c.215C>T, p.Pro72Leu (NM_001040613.3); short protein forms P72L.
Identifiers: ClinVar variation 2171364 (VCV002171364.4), dbSNP rs1368539034, ClinGen allele CA371489493.

ClinVar aggregate classification (germline): Uncertain significance (1 of 4 stars; one submission).

Conditions:
Mitochondrial complex V (ATP synthase) deficiency, nuclear type 2. Also called: Nuclear-Encoded ATPase Deficiency, TMEM70-Related; ENCEPHALOCARDIOMYOPATHY, MITOCHONDRIAL, NEONATAL, DUE TO ATP SYNTHASE DEFICIENCY; MITOCHONDRIAL COMPLEX V (ATP SYNTHASE) DEFICIENCY, TMEM70 TYPE. Identifiers: Orphanet 1194, MedGen C3279699, MONDO:0013546, OMIM 614052.

Allele frequency attached by ClinVar (database versions not stated): gnomAD exomes below 0.00001; TOPMed below 0.00001.

Submission:

Labcorp Genetics (formerly Invitae), Labcorp
Classification: Uncertain significance for Mitochondrial complex V (ATP synthase) deficiency, nuclear type 2. Last evaluated: 2022-08-19. Review status: criteria provided, single submitter. Criteria: Invitae Variant Classification Sherloc (09022015). Collection method: clinical testing. Allele origin: germline.
Comment: In summary, the available evidence is currently insufficient to determine the role of this variant in disease. Therefore, it has been classified as a Variant of Uncertain Significance. This sequence change replaces proline, which is neutral and non-polar, with leucine, which is neutral and non-polar, at codon 72 of the TMEM70 protein (p.Pro72Leu). This variant is not present in population databases (gnomAD no frequency). This variant has not been reported in the literature in individuals affected with TMEM70-related conditions. Algorithms developed to predict the effect of missense changes on protein structure and function are either unavailable or do not agree on the potential impact of this missense change (SIFT: "Deleterious"; PolyPhen-2: "Probably Damaging"; Align-GVGD: "Class C0").